The following is an entry in ClinVar:

NM_000135.4(FANCA):c.2474G>A (p.Arg825Lys)

Gene: FANCA (FA complementation group A; minus strand). Cytogenetic location: 16q24.3.
Variant type: single nucleotide variant.
Coding change: c.2474G>A on transcript NM_000135.4 (MANE Select); coding-DNA position 2474, G replaced by A.
Protein change: p.Arg825Lys; replaces arginine 825 with lysine.
Molecular consequence: missense variant.
Genome position (GRCh38, 1-based): chr16:89,769,867, C>T on the plus strand (G>A on the coding strand, the complement: FANCA is on the minus strand). VCF-style: chr16-89769867-C-T. GRCh37 (hg19) VCF-style: chr16-89836275-C-T.
Other names: c.2474G>A, p.Arg825Lys (NM_001286167.3); short protein forms R825K.
Identifiers: ClinVar variation 972547 (VCV000972547.12), dbSNP rs751222471, ClinGen allele CA397443170.

ClinVar aggregate classification (germline): Uncertain significance. Review status: criteria provided, multiple submitters, no conflicts (2 of 4 stars). 3 submissions from 3 submitters: Uncertain significance (3). Last evaluated 2025-02-09.

Conditions:
Inborn genetic diseases. Identifiers: MedGen C0950123, MeSH D030342.
Fanconi anemia (FA). Also called: Fanconi's anemia. Identifiers: Orphanet 84, MedGen C0015625, MeSH D005199, MONDO:0019391.
Fanconi anemia complementation group A (FANCA). Also called: Fanconi anemia, group A; FANCA-Related Fanconi Anemia. Identifiers: Orphanet 84, MedGen C3469521, MONDO:0009215, OMIM 227650.

Allele frequency attached by ClinVar (database versions not stated): gnomAD 0.00001; TOPMed 0.00001.
gnomAD v4.1: 27 of 1,614,004 alleles (0.0017%); highest among the groups gnomAD compares: Admixed American, 0.0033%; no homozygotes.

Submissions (3):

Ambry Genetics
Classification: Uncertain significance for Inborn genetic diseases. Last evaluated: 2025-02-09. Review status: criteria provided, single submitter. Criteria: Ambry Variant Classification Scheme 2023. Collection method: clinical testing. Allele origin: germline.
Comment: The p.R825K variant (also known as c.2474G>A), located in coding exon 26 of the FANCA gene, results from a G to A substitution at nucleotide position 2474. The arginine at codon 825 is replaced by lysine, an amino acid with highly similar properties. This amino acid position is conserved. In addition, this alteration is predicted to be tolerated by in silico analysis. Based on the available evidence, the clinical significance of this variant remains unclear.

Labcorp Genetics (formerly Invitae), Labcorp
Classification: Uncertain significance for Fanconi anemia. Last evaluated: 2024-04-01. Review status: criteria provided, single submitter. Criteria: Invitae Variant Classification Sherloc (09022015). Collection method: clinical testing. Allele origin: germline.
Comment: This sequence change replaces arginine, which is basic and polar, with lysine, which is basic and polar, at codon 825 of the FANCA protein (p.Arg825Lys). This variant is present in population databases (no rsID available, gnomAD 0.006%). This variant has not been reported in the literature in individuals affected with FANCA-related conditions. ClinVar contains an entry for this variant (Variation ID: 972547). Advanced modeling of protein sequence and biophysical properties (such as structural, functional, and spatial information, amino acid conservation, physicochemical variation, residue mobility, and thermodynamic stability) performed at Invitae indicates that this missense variant is not expected to disrupt FANCA protein function with a negative predictive value of 80%. In summary, the available evidence is currently insufficient to determine the role of this variant in disease. Therefore, it has been classified as a Variant of Uncertain Significance.

Fulgent Genetics
Classification: Uncertain significance for Fanconi anemia complementation group A. Last evaluated: 2022-05-21. Review status: criteria provided, single submitter. Criteria: ACMG Guidelines, 2015. Collection method: clinical testing. Allele origin: unknown.